The following is an entry in ClinVar:

NM_031471.6(FERMT3):c.1497C>G (p.Pro499=)

Gene: FERMT3 (FERM domain containing kindlin 3; plus strand). Cytogenetic location: 11q13.1.
Variant type: single nucleotide variant.
Coding change: c.1497C>G on transcript NM_031471.6 (MANE Select); coding-DNA position 1497, C replaced by G.
Protein change: p.Pro499=; no amino-acid change (proline 499 retained).
Molecular consequence: synonymous variant.
Genome position (GRCh38, 1-based): chr11:64,220,621, C>G. VCF-style: chr11-64220621-C-G. GRCh37 (hg19) VCF-style: chr11-63988093-C-G.
Other names: c.1497C>G, p.Pro499= (NM_001382361.1, NM_001382448.1); c.1509C>G, p.Pro503= (NM_001382362.1, NM_178443.3); c.957C>G, p.Pro319= (NM_001382363.1); c.969C>G, p.Pro323= (NM_001382364.1); c.1497C>G (NM_031471.5).
Identifiers: ClinVar variation 1374134 (VCV001374134.7), dbSNP rs1400489114, ClinGen allele CA381088266.

ClinVar aggregate classification (germline): Likely benign. Review status: criteria provided, single submitter (1 of 4 stars). 2 submissions from 2 submitters: Likely benign (1). 1 of the submissions does not count toward it. Last evaluated 2024-07-21.

Conditions:
FERMT3-related disorder. Also called: FERMT3-related condition.
Leukocyte adhesion deficiency 3. Also called: INTEGRIN ACTIVATION DEFICIENCY DISEASE; LEUKOCYTE ADHESION DEFICIENCY 1 VARIANT; Leukocyte adhesion deficiency, type III. Identifiers: Orphanet 2968, Orphanet 99844, MedGen C2748536, MONDO:0013016, OMIM 612840.

gnomAD v4.1: 15 of 1,611,574 alleles (0.00093%); highest among the groups gnomAD compares: Non-Finnish European, 0.0013%; no homozygotes.

Submissions (2):

Labcorp Genetics (formerly Invitae), Labcorp
Classification: Likely benign for Leukocyte adhesion deficiency 3. Last evaluated: 2024-07-21. Review status: criteria provided, single submitter. Criteria: Invitae Variant Classification Sherloc (09022015). Collection method: clinical testing. Allele origin: germline.

PreventionGenetics, part of Exact Sciences
Classification: Likely benign for FERMT3-related condition. Last evaluated: 2024-05-23. Review status: no assertion criteria provided. Collection method: clinical testing. Allele origin: germline. Not counted in ClinVar's aggregate classification.
Comment: This variant is classified as likely benign based on ACMG/AMP sequence variant interpretation guidelines (Richards et al. 2015 PMID: 25741868, with internal and published modifications).